The following is an entry in ClinVar:

ClinVar aggregate classification (germline): Uncertain significance (1 of 4 stars; one submission).

Submission:

Labcorp Genetics (formerly Invitae), Labcorp
Classification: Uncertain significance. Last evaluated: 2024-10-23. Review status: criteria provided, single submitter. Criteria: Invitae Variant Classification Sherloc (09022015). Collection method: clinical testing. Allele origin: germline.
Comment: This sequence change replaces arginine, which is basic and polar, with serine, which is neutral and polar, at codon 220 of the EFTUD2 protein (p.Arg220Ser). This variant is not present in population databases (gnomAD no frequency). This variant has not been reported in the literature in individuals affected with EFTUD2-related conditions. Invitae Evidence Modeling of protein sequence and biophysical properties (such as structural, functional, and spatial information, amino acid conservation, physicochemical variation, residue mobility, and thermodynamic stability) indicates that this missense variant is expected to disrupt EFTUD2 protein function with a positive predictive value of 80%. In summary, the available evidence is currently insufficient to determine the role of this variant in disease. Therefore, it has been classified as a Variant of Uncertain Significance.

NM_004247.4(EFTUD2):c.658C>A (p.Arg220Ser)

Gene: EFTUD2 (elongation factor Tu GTP binding domain containing 2; minus strand). Cytogenetic location: 17q21.31.
Variant type: single nucleotide variant.
Coding change: c.658C>A on transcript NM_004247.4 (MANE Select); coding-DNA position 658, C replaced by A.
Protein change: p.Arg220Ser; replaces arginine 220 with serine.
Molecular consequence: missense variant.
Genome position (GRCh38, 1-based): chr17:44,879,600, G>T on the plus strand (C>A on the coding strand, the complement: EFTUD2 is on the minus strand). VCF-style: chr17-44879600-G-T. GRCh37 (hg19) VCF-style: chr17-42956968-G-T.
Other names: c.553C>A, p.Arg185Ser (NM_001142605.2); c.658C>A, p.Arg220Ser (NM_001258353.2); c.628C>A, p.Arg210Ser (NM_001258354.2); short protein forms R185S, R210S, R220S.
Identifiers: ClinVar variation 2715617 (VCV002715617.3), dbSNP rs1487772387, ClinGen allele CA399821944.